The following is an entry in ClinVar:

ClinVar aggregate classification (germline): Uncertain significance (1 of 4 stars; one submission).

Submission:

Labcorp Genetics (formerly Invitae), Labcorp
Classification: Uncertain significance. Last evaluated: 2025-04-03. Review status: criteria provided, single submitter. Criteria: Invitae Variant Classification Sherloc (09022015). Collection method: clinical testing. Allele origin: germline.
Comment: This sequence change creates a premature translational stop signal (p.Leu743Hisfs*10) in the ITGB3 gene. While this is not anticipated to result in nonsense mediated decay, it is expected to disrupt the last 46 amino acid(s) of the ITGB3 protein. This variant is not present in population databases (gnomAD no frequency). This variant has not been reported in the literature in individuals affected with ITGB3-related conditions. ClinVar contains an entry for this variant (Variation ID: 3649553). This variant disrupts a region of the ITGB3 protein in which other variant(s) (p.Ser778Pro) have been observed in individuals with ITGB3-related conditions (PMID: 1438206). This suggests that this is a clinically significant region of the protein, and that variants that disrupt it are likely to be disease-causing. In summary, the available evidence is currently insufficient to determine the role of this variant in disease. Therefore, it has been classified as a Variant of Uncertain Significance.

Literature cited by the submitters: PubMed 1438206.

NM_000212.3(ITGB3):c.2228_2235del (p.Leu743fs)

Genes: EFCAB13-DT (EFCAB13 divergent transcript; minus strand), ITGB3 (integrin subunit beta 3; plus strand). Cytogenetic location: 17q21.32.
Variant type: Deletion.
Coding change: c.2228_2235del on transcript NM_000212.3 (MANE Select); coding-DNA positions 2228 to 2235, 8 bases deleted (TCCTCATC; older notation c.2228_2235delTCCTCATC).
Protein change: p.Leu743fs; shifts the reading frame from leucine 743.
Molecular consequence: frameshift variant.
Genome position (GRCh38, 1-based): chr17:47,307,564-47,307,571, TCCTCATC deleted; deleting any 8 consecutive bases within chr17:47,307,563-47,307,571 gives the same sequence; the c. name uses the placement nearest the transcript's 3' end. VCF-style (leftmost placement, unchanged base first): chr17-47307562-ACTCCTCAT-A. GRCh37 (hg19) VCF-style: chr17-45384928-ACTCCTCAT-A.
Other names: short protein forms L743fs.
Identifiers: ClinVar variation 3649553 (VCV003649553.2).
Genomic context (GRCh38, chr17:47,307,562, plus strand): 5'-CCTGCTCTCAGTGATGGGGGCCATTCTGCTCATTGGCCTTGCCGCCCTGCTCATCTGGAA[ACTCCTCAT>A]CACCATCCACGACCGAAAAGAATTCGCTAAATTTGAGGAAGAACGCGCCAGAGCAAAATG-3'